The following is an entry in ClinVar:

NM_033305.3(VPS13A):c.5174A>C (p.Asn1725Thr)

Gene: VPS13A (vacuolar protein sorting 13 homolog A; plus strand). Cytogenetic location: 9q21.2.
Variant type: single nucleotide variant.
Coding change: c.5174A>C on transcript NM_033305.3 (MANE Select); coding-DNA position 5174, A replaced by C.
Protein change: p.Asn1725Thr; replaces asparagine 1725 with threonine.
Molecular consequence: missense variant.
Genome position (GRCh38, 1-based): chr9:77,318,452, A>C. VCF-style: chr9-77318452-A-C. GRCh37 (hg19) VCF-style: chr9-79933368-A-C.
Other names: p.Asn1725Thr; c.5057A>C, p.Asn1686Thr (NM_001018037.2); c.5174A>C, p.Asn1725Thr (NM_001018038.3, NM_015186.4); short protein forms N1725T, N1686T.
Identifiers: ClinVar variation 4541451 (VCV004541451.1).

ClinVar aggregate classification (germline): Uncertain significance (1 of 4 stars; one submission).

Submission:

Mayo Clinic Laboratories, Mayo Clinic
Classification: Uncertain significance. Last evaluated: 2025-10-06. Review status: criteria provided, single submitter. Criteria: ACMG Guidelines, 2015. Collection method: clinical testing. Allele origin: germline. Observed: 1 variant allele.
Comment: BP4_moderate